The following is an entry in ClinVar:

NM_024079.5(ALG8):c.1277-10_1277-8del

Gene: ALG8 (ALG8 alpha-1,3-glucosyltransferase; minus strand). Cytogenetic location: 11q14.1.
Variant type: Deletion.
Coding change: c.1277-10_1277-8del on transcript NM_024079.5 (MANE Select); 10 bases into the intron before coding-DNA position 1277 through 8 bases into the intron before coding-DNA position 1277, 3 bases deleted (CTT; older notation c.1277-10_1277-8delCTT).
Molecular consequence: intron variant.
Genome position (GRCh38, 1-based): chr11:78,104,060-78,104,062, AAG deleted on the plus strand (CTT on the coding strand, the reverse complement: ALG8 is on the minus strand); deleting any 3 consecutive bases within chr11:78,104,060-78,104,064 gives the same sequence; the c. name uses the placement nearest the transcript's 3' end. VCF-style (leftmost placement, unchanged base first): chr11-78104059-AAAG-A. GRCh37 (hg19) VCF-style: chr11-77815105-AAAG-A.
Other names: c.1277-10_1277-8delCTT (NM_024079.4); c.1277-10_1277-8del (NM_001007027.3).
Identifiers: ClinVar variation 1160384 (VCV001160384.11), dbSNP rs764468497, ClinGen allele CA6203156.
Genomic context (GRCh38, chr11:78,104,059, plus strand): 5'-ACGAAATACTATATATGGTGAATAGTAACATGAGTAAGATTTTAATGGGAAGTTCTGTTA[AAAG>A]AATAGAAAAAAAAAGATAATTTAGCTGATGACAGAAAGACTTATGATGCTGAAAGTAATA-3'

ClinVar aggregate classification (germline): Likely benign. Review status: criteria provided, single submitter (1 of 4 stars). 2 submissions from 2 submitters: Likely benign (1). 1 of the submissions does not count toward it. Last evaluated 2025-12-13.

Conditions:
ALG8-related disorder.
ALG8 congenital disorder of glycosylation. Also called: CONGENITAL DISORDER OF GLYCOSYLATION, TYPE Ih; ALG8-CDG; CDG Ih. Identifiers: Orphanet 79325, MedGen C2931002, MONDO:0011969, OMIM 608104.

Submissions (2):

Labcorp Genetics (formerly Invitae), Labcorp
Classification: Likely benign for ALG8 congenital disorder of glycosylation. Last evaluated: 2025-12-13. Review status: criteria provided, single submitter. Criteria: Invitae Variant Classification Sherloc (09022015). Collection method: clinical testing. Allele origin: germline.

PreventionGenetics, part of Exact Sciences
Classification: Likely benign for ALG8-related condition. Last evaluated: 2019-05-02. Review status: no assertion criteria provided. Collection method: clinical testing. Allele origin: germline. Not counted in ClinVar's aggregate classification.
Comment: This variant is classified as likely benign based on ACMG/AMP sequence variant interpretation guidelines (Richards et al. 2015 PMID: 25741868, with internal and published modifications).